The following is an entry in ClinVar:

ClinVar aggregate classification (germline): Uncertain significance (1 of 4 stars; one submission).

Allele frequency attached by ClinVar (database versions not stated): gnomAD 0.00001; gnomAD exomes 0.00001; TOPMed 0.00002.

Submission:

Labcorp Genetics (formerly Invitae), Labcorp
Classification: Uncertain significance. Last evaluated: 2022-12-16. Review status: criteria provided, single submitter. Criteria: Invitae Variant Classification Sherloc (09022015). Collection method: clinical testing. Allele origin: germline.
Comment: This variant is present in population databases (no rsID available, gnomAD 0.003%). In summary, the available evidence is currently insufficient to determine the role of this variant in disease. Therefore, it has been classified as a Variant of Uncertain Significance. Algorithms developed to predict the effect of missense changes on protein structure and function are either unavailable or do not agree on the potential impact of this missense change (SIFT: "Tolerated"; PolyPhen-2: "Possibly Damaging"; Align-GVGD: "Class C25"). This variant has not been reported in the literature in individuals affected with A2ML1-related conditions. This sequence change replaces arginine, which is basic and polar, with cysteine, which is neutral and slightly polar, at codon 433 of the A2ML1 protein (p.Arg433Cys).

NM_144670.6(A2ML1):c.1297C>T (p.Arg433Cys)

Gene: A2ML1 (alpha-2-macroglobulin like 1; plus strand). Cytogenetic location: 12p13.31.
Variant type: single nucleotide variant.
Coding change: c.1297C>T on transcript NM_144670.6 (MANE Select); coding-DNA position 1297, C replaced by T.
Protein change: p.Arg433Cys; replaces arginine 433 with cysteine.
Molecular consequence: missense variant.
Genome position (GRCh38, 1-based): chr12:8,843,182, C>T. VCF-style: chr12-8843182-C-T. GRCh37 (hg19) VCF-style: chr12-8995778-C-T.
Other names: short protein forms R433C.
Identifiers: ClinVar variation 3007978 (VCV003007978.3), dbSNP rs1461922566, ClinGen allele CA383824931.